The following is an entry in ClinVar:

ClinVar aggregate classification (germline): Uncertain significance (1 of 4 stars; one submission).

Conditions:
Inborn genetic diseases. Identifiers: MedGen C0950123, MeSH D030342.

Allele frequency attached by ClinVar (database versions not stated): gnomAD exomes below 0.00001; gnomAD 0.00001; TOPMed 0.00001.
gnomAD v4.1: 5 of 1,606,532 alleles (0.00031%); highest among the groups gnomAD compares: Non-Finnish European, 0.00042%; no homozygotes.

Submission:

Ambry Genetics
Classification: Uncertain significance for Inborn genetic diseases. Last evaluated: 2023-11-19. Review status: criteria provided, single submitter. Criteria: Ambry Variant Classification Scheme 2023. Collection method: clinical testing. Allele origin: germline.
Comment: The p.L2282V variant (also known as c.6844C>G) is located in coding exon 47 of the LRRK2 gene. The leucine at codon 2282 is replaced by valine, an amino acid with highly similar properties. This change occurs in the first base pair of coding exon 47. This amino acid position is conserved. In addition, this alteration is predicted to be tolerated by in silico analysis. Since supporting evidence is limited at this time, the clinical significance of this alteration remains unclear.

NM_198578.4(LRRK2):c.6844C>G (p.Leu2282Val)

Gene: LRRK2 (leucine rich repeat kinase 2; plus strand). Cytogenetic location: 12q12.
Variant type: single nucleotide variant.
Coding change: c.6844C>G on transcript NM_198578.4 (MANE Select); coding-DNA position 6844, C replaced by G.
Protein change: p.Leu2282Val; replaces leucine 2282 with valine.
Molecular consequence: missense variant.
Genome position (GRCh38, 1-based): chr12:40,359,260, C>G. VCF-style: chr12-40359260-C-G. GRCh37 (hg19) VCF-style: chr12-40753062-C-G.
Other names: short protein forms L2282V.
Identifiers: ClinVar variation 3229760 (VCV003229760.1), dbSNP rs1424343593, ClinGen allele CA384411219.